The following is an entry in ClinVar:

NM_032776.3(JMJD1C):c.1916G>A (p.Ser639Asn)

Gene: JMJD1C (jumonji domain containing 1C; minus strand). Cytogenetic location: 10q21.3.
Variant type: single nucleotide variant.
Coding change: c.1916G>A on transcript NM_032776.3 (MANE Select); coding-DNA position 1916, G replaced by A.
Protein change: p.Ser639Asn; replaces serine 639 with asparagine.
Molecular consequence: missense variant. On other transcripts: non-coding transcript variant (1).
Genome position (GRCh38, 1-based): chr10:63,214,251, C>T on the plus strand (G>A on the coding strand, the complement: JMJD1C is on the minus strand). VCF-style: chr10-63214251-C-T. GRCh37 (hg19) VCF-style: chr10-64974011-C-T.
Other names: c.1370G>A, p.Ser457Asn (NM_001282948.2, NM_001318154.2); c.1052G>A, p.Ser351Asn (NM_001318153.2); c.1802G>A, p.Ser601Asn (NM_001322252.2); c.1259G>A, p.Ser420Asn (NM_001322254.2, NM_001322258.2); short protein forms S351N, S420N, S457N, S601N, S639N.
Identifiers: ClinVar variation 1005478 (VCV001005478.3), dbSNP rs747581671, ClinGen allele CA5518721.

ClinVar aggregate classification (germline): Uncertain significance (1 of 4 stars; one submission).

Conditions:
Early Myoclonic Encephalopathy. Identifiers: MedGen C0270855.

Allele frequency attached by ClinVar (database versions not stated): gnomAD exomes 0.00001; TOPMed 0.00001.

Submission:

Labcorp Genetics (formerly Invitae), Labcorp
Classification: Uncertain significance for Early Myoclonic Encephalopathy. Last evaluated: 2023-04-15. Review status: criteria provided, single submitter. Criteria: Invitae Variant Classification Sherloc (09022015). Collection method: clinical testing. Allele origin: germline.
Comment: This variant is present in population databases (rs747581671, gnomAD 0.006%). In summary, the available evidence is currently insufficient to determine the role of this variant in disease. Therefore, it has been classified as a Variant of Uncertain Significance. Algorithms developed to predict the effect of missense changes on protein structure and function output the following: SIFT: "Not Available"; PolyPhen-2: "Benign"; Align-GVGD: "Not Available". The asparagine amino acid residue is found in multiple mammalian species, which suggests that this missense change does not adversely affect protein function. ClinVar contains an entry for this variant (Variation ID: 1005478). This variant has not been reported in the literature in individuals affected with JMJD1C-related conditions. This sequence change replaces serine, which is neutral and polar, with asparagine, which is neutral and polar, at codon 639 of the JMJD1C protein (p.Ser639Asn).